The following is an entry in ClinVar:

ClinVar aggregate classification (germline): Uncertain significance. Review status: criteria provided, multiple submitters, no conflicts (2 of 4 stars). 2 submissions from 2 submitters: Uncertain significance (2). Last evaluated 2026-01-11.

Conditions:
ENPP1-related disorder. Also called: ENPP1-related condition; ENPP1-related disorders.

Allele frequency attached by ClinVar (database versions not stated): ExAC 0.00001; gnomAD exomes 0.00001; gnomAD 0.00005; TOPMed 0.00007; ESP Exome Variant Server 0.00008.
gnomAD v4.1: 21 of 1,596,990 alleles (0.0013%); highest among the groups gnomAD compares: African/African-American, 0.02%; no homozygotes.

Submissions (2):

Labcorp Genetics (formerly Invitae), Labcorp
Classification: Uncertain significance. Last evaluated: 2026-01-11. Review status: criteria provided, single submitter. Criteria: Invitae Variant Classification Sherloc (09022015). Collection method: clinical testing. Allele origin: germline.
Comment: This sequence change replaces aspartic acid, which is acidic and polar, with asparagine, which is neutral and polar, at codon 276 of the ENPP1 protein (p.Asp276Asn). This variant is present in population databases (rs143771474, gnomAD 0.008%). This missense change has been observed in individual(s) with arterial calcification (PMID: 20016754). ClinVar contains an entry for this variant (Variation ID: 2734954). Invitae Evidence Modeling of protein sequence and biophysical properties (such as structural, functional, and spatial information, amino acid conservation, physicochemical variation, residue mobility, and thermodynamic stability) indicates that this missense variant is expected to disrupt ENPP1 protein function with a positive predictive value of 80%. In summary, the available evidence is currently insufficient to determine the role of this variant in disease. Therefore, it has been classified as a Variant of Uncertain Significance.

PreventionGenetics, part of Exact Sciences
Classification: Uncertain significance for ENPP1-related condition. Last evaluated: 2025-02-08. Review status: criteria provided, single submitter. Criteria: ACMG Guidelines, 2015. Collection method: clinical testing. Allele origin: germline.
Comment: The ENPP1 c.826G>A variant is predicted to result in the amino acid substitution p.Asp276Asn. This variant was reported along with a second potentially causative variant in an individual with generalized arterial calcification of infancy (Rutsch et al. 2008. PubMed ID: 20016754). This variant is reported in 0.0081% of alleles in individuals of African descent in gnomAD. At this time, the clinical significance of this variant is uncertain due to the absence of conclusive functional and genetic evidence.

Literature cited by the submitters: PubMed 20016754 (cited by Labcorp Genetics (formerly Invitae), Labcorp).

NM_006208.3(ENPP1):c.826G>A (p.Asp276Asn)

Gene: ENPP1 (ectonucleotide pyrophosphatase/phosphodiesterase 1; plus strand). Cytogenetic location: 6q23.2.
Variant type: single nucleotide variant.
Coding change: c.826G>A on transcript NM_006208.3 (MANE Select); coding-DNA position 826, G replaced by A.
Protein change: p.Asp276Asn; replaces aspartic acid 276 with asparagine.
Molecular consequence: missense variant.
Genome position (GRCh38, 1-based): chr6:131,860,417, G>A. VCF-style: chr6-131860417-G-A. GRCh37 (hg19) VCF-style: chr6-132181557-G-A.
Other names: c.826G>A (NM_006208.2); short protein forms D276N.
Identifiers: ClinVar variation 2734954 (VCV002734954.4), dbSNP rs143771474, ClinGen allele CA4002018.